The following is an entry in ClinVar:

ClinVar aggregate classification (germline): Likely pathogenic (1 of 4 stars; one submission).

Conditions:
KCNH2-related disorder. Also called: KCNH2-related disorders; KCNH2-related condition.

Submission:

PreventionGenetics, part of Exact Sciences
Classification: Likely pathogenic for KCNH2-related condition. Last evaluated: 2026-07-29. Review status: criteria provided, single submitter. Criteria: ACMG Guidelines, 2015. Collection method: clinical testing. Allele origin: germline.
Comment: The KCNH2 c.2987delA variant is predicted to result in a frameshift and premature protein termination (p.Asn996Thrfs*61). To our knowledge, this variant has not been reported in the literature or in a large population database (gnomAD), indicating this variant is rare. Frameshift variants in KCNH2 are expected to be pathogenic. This variant is interpreted as likely pathogenic.

NM_000238.4(KCNH2):c.2987del (p.Asn996fs)

Gene: KCNH2 (potassium voltage-gated channel subfamily H member 2; minus strand). Cytogenetic location: 7q36.1.
Variant type: Deletion.
Coding change: c.2987del on transcript NM_000238.4 (MANE Select); coding-DNA position 2987, one base deleted (A; older notation c.2987delA).
Protein change: p.Asn996fs; shifts the reading frame from asparagine 996.
Molecular consequence: frameshift variant. On other transcripts: non-coding transcript variant (2).
Genome position (GRCh38, 1-based): chr7:150,947,493, T deleted on the plus strand (A on the coding strand, the reverse complement: KCNH2 is on the minus strand); the first of 2 consecutive T bases (chr7:150,947,493-150,947,494); deleting either gives the same sequence. VCF-style (leftmost placement, unchanged base first): chr7-150947492-GT-G. GRCh37 (hg19) VCF-style: chr7-150644580-GT-G.
Other names: c.2987delA (NM_000238.3); c.2699del, p.Asn900fs (NM_001406753.1); c.1967del, p.Asn656fs (NM_172057.3); short protein forms N900fs, N996fs, N656fs.
Identifiers: ClinVar variation 4994842 (VCV004994842.1).